The following is an entry in ClinVar:

NM_001353921.2(ARHGEF9):c.248C>T (p.Pro83Leu)

Gene: ARHGEF9 (Cdc42 guanine nucleotide exchange factor 9; minus strand). Cytogenetic location: Xq11.1.
Variant type: single nucleotide variant.
Coding change: c.248C>T on transcript NM_001353921.2 (MANE Select); coding-DNA position 248, C replaced by T.
Protein change: p.Pro83Leu; replaces proline 83 with leucine.
Molecular consequence: missense variant. On other transcripts: 5 prime UTR variant (3).
Genome position (GRCh38, 1-based): chrX:63,706,412, G>A on the plus strand (C>T on the coding strand, the complement: ARHGEF9 is on the minus strand). VCF-style: chrX-63706412-G-A. GRCh37 (hg19) VCF-style: chrX-62926292-G-A.
Other names: c.68C>T, p.Pro23Leu (NM_001173479.2); c.-80C>T (NM_001173480.2, NM_001369042.1); c.164C>T, p.Pro55Leu (NM_001330495.2, NM_001353927.2, NM_001369033.1 and 8 more transcripts); c.248C>T, p.Pro83Leu (NM_001353922.2); c.266C>T, p.Pro89Leu (NM_001353923.1); c.47C>T, p.Pro16Leu (NM_001353924.2, NM_001353926.2, NM_001369039.1 and 1 more transcripts); c.227C>T, p.Pro76Leu (NM_001353928.2, NM_001369030.1, NM_001369031.1 and 2 more transcripts); c.-456C>T (NM_001369045.1); short protein forms P76L, P83L, P23L, P55L, P89L, P16L.
Identifiers: ClinVar variation 1525222 (VCV001525222.8), dbSNP rs1556402117, ClinGen allele CA413402320.

ClinVar aggregate classification (germline): Uncertain significance (1 of 4 stars; one submission).

Conditions:
Developmental and epileptic encephalopathy, 8 (DEE8). Also called: HYPEREKPLEXIA AND EPILEPSY. Identifiers: Orphanet 163985, Orphanet 2076, MedGen C1845102, MONDO:0010375, OMIM 300607.

Allele frequency attached by ClinVar (database versions not stated): TOPMed below 0.00001; gnomAD 0.00001; gnomAD exomes 0.00001.

Submission:

Labcorp Genetics (formerly Invitae), Labcorp
Classification: Uncertain significance for Developmental and epileptic encephalopathy, 8. Last evaluated: 2023-06-10. Review status: criteria provided, single submitter. Criteria: Invitae Variant Classification Sherloc (09022015). Collection method: clinical testing. Allele origin: germline.
Comment: In summary, the available evidence is currently insufficient to determine the role of this variant in disease. Therefore, it has been classified as a Variant of Uncertain Significance. Advanced modeling of protein sequence and biophysical properties (such as structural, functional, and spatial information, amino acid conservation, physicochemical variation, residue mobility, and thermodynamic stability) performed at Invitae indicates that this missense variant is not expected to disrupt ARHGEF9 protein function. ClinVar contains an entry for this variant (Variation ID: 1525222). This variant has not been reported in the literature in individuals affected with ARHGEF9-related conditions. The frequency data for this variant in the population databases is considered unreliable, as metrics indicate poor data quality at this position in the gnomAD database. This sequence change replaces proline, which is neutral and non-polar, with leucine, which is neutral and non-polar, at codon 76 of the ARHGEF9 protein (p.Pro76Leu).